The following is an entry in ClinVar:

ClinVar aggregate classification (germline): Uncertain significance (1 of 4 stars; one submission).

Submission:

GeneDx
Classification: Uncertain significance. Last evaluated: 2023-12-03. Review status: criteria provided, single submitter. Criteria: GeneDx Variant Classification Process June 2021. Collection method: clinical testing. Allele origin: germline. Affected: yes.
Comment: Not observed at significant frequency in large population cohorts (gnomAD); In silico analysis supports that this missense variant does not alter protein structure/function; Has not been previously published as pathogenic or benign to our knowledge

NM_001353345.2(SETD1B):c.4334T>A (p.Leu1445Gln)

Gene: SETD1B (SET domain containing 1B, histone lysine methyltransferase; plus strand). Cytogenetic location: 12q24.31.
Variant type: single nucleotide variant.
Coding change: c.4334T>A on transcript NM_001353345.2 (MANE Select); coding-DNA position 4334, T replaced by A.
Protein change: p.Leu1445Gln; replaces leucine 1445 with glutamine.
Molecular consequence: missense variant.
Genome position (GRCh38, 1-based): chr12:121,822,913, T>A. VCF-style: chr12-121822913-T-A. GRCh37 (hg19) VCF-style: chr12-122260819-T-A.
Other names: short protein forms L1445Q.
Identifiers: ClinVar variation 3365284 (VCV003365284.1).
Genomic context (GRCh38, chr12:121,822,913, plus strand): 5'-CACCTGGCCGGGACTTCAGCTTCACACCCACCTTCTCCGAGCCCAGCGGGCCCTTGCTCC[T>A]GCCCGTCTGCCCACTCCCCACTGGCCGACGCGATGAACGCTCCGGGCCCCTGGCCTCCCC-3'
Protein context (NP_001340274.1, residues 1435-1455): TFSEPSGPLL[Leu1445Gln]PVCPLPTGRR